The following is an entry in ClinVar:

ClinVar aggregate classification (germline): Uncertain significance (1 of 4 stars; one submission).

Conditions:
Developmental and epileptic encephalopathy, 9 (DEE9). Also called: EPILEPSY, FEMALE-RESTRICTED, WITH MENTAL RETARDATION; PCDH19-Related X-Linked Female-Limited Epilepsy with Mental Retardation; Early infantile epileptic encephalopathy 9; JUBERG-HELLMAN SYNDROME. Identifiers: Orphanet 101039, Orphanet 2076, MedGen C1848137, MONDO:0010246, OMIM 300088. Disease mechanism: loss of function.

gnomAD v4.1: 2 of 1,211,512 alleles (0.00017%); highest among the groups gnomAD compares: Non-Finnish European, 0.00022%; no homozygotes.

Submission:

Labcorp Genetics (formerly Invitae), Labcorp
Classification: Uncertain significance for Developmental and epileptic encephalopathy, 9. Last evaluated: 2021-09-25. Review status: criteria provided, single submitter. Criteria: Invitae Variant Classification Sherloc (09022015). Collection method: clinical testing. Allele origin: germline.
Comment: This sequence change replaces serine with phenylalanine at codon 663 of the PCDH19 protein (p.Ser663Phe). The serine residue is highly conserved and there is a large physicochemical difference between serine and phenylalanine. In summary, the available evidence is currently insufficient to determine the role of this variant in disease. Therefore, it has been classified as a Variant of Uncertain Significance. Algorithms developed to predict the effect of missense changes on protein structure and function (SIFT, PolyPhen-2, Align-GVGD) all suggest that this variant is likely to be disruptive. This variant has not been reported in the literature in individuals affected with PCDH19-related conditions. This variant is not present in population databases (ExAC no frequency).

NM_001184880.2(PCDH19):c.1988C>T (p.Ser663Phe)

Gene: PCDH19 (protocadherin 19; minus strand). Cytogenetic location: Xq22.1.
Variant type: single nucleotide variant.
Coding change: c.1988C>T on transcript NM_001184880.2 (MANE Select); coding-DNA position 1988, C replaced by T.
Protein change: p.Ser663Phe; replaces serine 663 with phenylalanine.
Molecular consequence: missense variant.
Genome position (GRCh38, 1-based): chrX:100,406,610, G>A on the plus strand (C>T on the coding strand, the complement: PCDH19 is on the minus strand). VCF-style: chrX-100406610-G-A. GRCh37 (hg19) VCF-style: chrX-99661608-G-A.
Other names: c.1988C>T, p.Ser663Phe (NM_001105243.2, NM_020766.3); short protein forms S663F.
Identifiers: ClinVar variation 1492802 (VCV001492802.6), dbSNP rs2147537323, ClinGen allele CA414001533.
Genomic context (GRCh38, chrX:100,406,610, plus strand): 5'-ATAATGAAAATCAAGGACAAGTTCACAGAGCCCATTGACTCTTGGGCATCGAGAGCAGGG[G>A]ACAAGTAGATTAGGACGAGAGCAGAGGCAGAGAGAGATGTCTTGCCGTGGTCGTGAGCCA-3'
Protein context (NP_001171809.1, residues 653-673): SASALVLIYL[Ser663Phe]PALDAQESMG